The following is an entry in ClinVar:

ClinVar aggregate classification (germline): Uncertain significance (1 of 4 stars; one submission).

gnomAD v4.1: 3 of 1,614,226 alleles (0.00019%); highest among the groups gnomAD compares: Admixed American, 0.0033%; no homozygotes.

Submission:

Labcorp Genetics (formerly Invitae), Labcorp
Classification: Uncertain significance. Last evaluated: 2024-08-23. Review status: criteria provided, single submitter. Criteria: Invitae Variant Classification Sherloc (09022015). Collection method: clinical testing. Allele origin: germline.
Comment: This sequence change replaces glutamic acid, which is acidic and polar, with lysine, which is basic and polar, at codon 17 of the OAS1 protein (p.Glu17Lys). This variant is present in population databases (rs534305575, gnomAD 0.007%). This variant has not been reported in the literature in individuals affected with OAS1-related conditions. An algorithm developed to predict the effect of missense changes on protein structure and function outputs the following: PolyPhen-2: "Benign". The lysine amino acid residue is found in multiple mammalian species, which suggests that this missense change does not adversely affect protein function. In summary, the available evidence is currently insufficient to determine the role of this variant in disease. Therefore, it has been classified as a Variant of Uncertain Significance.

NM_016816.4(OAS1):c.49G>A (p.Glu17Lys)

Genes: OAS1 (2'-5'-oligoadenylate synthetase 1; plus strand), LOC130008812 (ATAC-STARR-seq lymphoblastoid active region 7052; plus strand). Cytogenetic location: 12q24.13.
Variant type: single nucleotide variant.
Coding change: c.49G>A on transcript NM_016816.4 (MANE Select); coding-DNA position 49, G replaced by A.
Protein change: p.Glu17Lys; replaces glutamic acid 17 with lysine.
Molecular consequence: missense variant. On other transcripts: non-coding transcript variant (9).
Genome position (GRCh38, 1-based): chr12:112,907,088, G>A. VCF-style: chr12-112907088-G-A. GRCh37 (hg19) VCF-style: chr12-113344893-G-A.
Other names: c.49G>A, p.Glu17Lys (NM_001032409.3, NM_001320151.2, NM_001406020.1 and 10 more transcripts); short protein forms E17K.
Identifiers: ClinVar variation 3702058 (VCV003702058.2).